The following is an entry in ClinVar:

NM_000455.5(STK11):c.465-4G>A

Gene: STK11 (serine/threonine kinase 11; plus strand). Cytogenetic location: 19p13.3.
Variant type: single nucleotide variant.
Coding change: c.465-4G>A on transcript NM_000455.5 (MANE Select); 4 bases into the intron before coding-DNA position 465, G replaced by A.
Molecular consequence: intron variant.
Genome position (GRCh38, 1-based): chr19:1,220,369, G>A. VCF-style: chr19-1220369-G-A. GRCh37 (hg19) VCF-style: chr19-1220368-G-A.
Other names: IVS3-4G>A.
Identifiers: ClinVar variation 127703 (VCV000127703.50), dbSNP rs587780009, ClinGen allele CA023032.

ClinVar aggregate classification (germline): Conflicting classifications of pathogenicity. Review status: criteria provided, conflicting classifications (1 of 4 stars). 21 submissions from 21 submitters: Uncertain significance (2); Benign (2); Likely benign (14). 3 of the submissions do not count toward it. Last evaluated 2026-06-01.

Conditions:
STK11-related disorder. Also called: STK11-related condition.
Breast and/or ovarian cancer. Identifiers: MedGen CN221562.
Hereditary cancer-predisposing syndrome. Also called: Neoplastic Syndromes, Hereditary; Hereditary Cancer Syndrome; Tumor predisposition; Hereditary neoplastic syndrome. Identifiers: Orphanet 140162, MedGen C0027672, MeSH D009386, MONDO:0015356.
Peutz-Jeghers syndrome (PJS). Also called: POLYPOSIS, HAMARTOMATOUS INTESTINAL; POLYPS-AND-SPOTS SYNDROME; Peutz-Jeghers polyposis; Periorificial lentiginosis syndrome. Identifiers: Orphanet 2869, MedGen C0031269, MeSH D010580, MONDO:0008280, OMIM 175200.
Breast carcinoma. Also called: Carcinoma of breast. Identifiers: MedGen C0678222, MONDO:0004989, HP:0003002.
Malignant tumor of breast. Also called: Malignant breast neoplasm; Cancer breast. Identifiers: MedGen C0006142, MONDO:0007254. Disease mechanism: loss of function.

Allele frequency attached by ClinVar (database versions not stated): TOPMed 0.00005; ExAC 0.00016.

Submissions (21):

CeGaT Center for Human Genetics Tuebingen
Classification: Likely benign. Last evaluated: 2026-06-01. Review status: criteria provided, single submitter. Criteria: CeGaT Center For Human Genetics Tuebingen Variant Classification Criteria Version 2. Collection method: clinical testing. Allele origin: germline. Affected: yes. Observed: 1 variant allele.
Comment: STK11: BP4, BS2

Labcorp Genetics (formerly Invitae), Labcorp
Classification: Likely benign for Peutz-Jeghers syndrome. Last evaluated: 2026-01-31. Review status: criteria provided, single submitter. Criteria: Invitae Variant Classification Sherloc (09022015). Collection method: clinical testing. Allele origin: germline.

Women's Health and Genetics/Laboratory Corporation of America, LabCorp
Classification: Likely benign. Last evaluated: 2025-10-06. Review status: criteria provided, single submitter. Criteria: LabCorp Variant Classification Summary - May 2015. Collection method: clinical testing. Allele origin: germline.
Comment: Variant summary: STK11 c.465-4G>A alters a conserved nucleotide located at a position not widely known to affect splicing. Consensus agreement among computation tools predict no significant impact on normal splicing. However, these predictions have yet to be confirmed by functional studies. The variant allele was found at a frequency of 8.5e-05 in 223438 control chromosomes. The observed variant frequency exceeds the estimated maximal expected allele frequency for disease-causing variants in STK11. c.465-4G>A has been observed in individual(s) affected with Peutz-Jeghers Syndrome. These data do not allow any conclusion about variant significance. To our knowledge, no experimental evidence demonstrating an impact on protein function has been reported. The following publications have been ascertained in the context of this evaluation (PMID: 16287113, 30426508). ClinVar contains an entry for this variant (Variation ID: 127703). Based on the evidence outlined above, the variant was classified as likely benign.

Center for Genomic Medicine, Rigshospitalet, Copenhagen University Hospital
Classification: Likely benign. Last evaluated: 2025-03-04. Review status: criteria provided, single submitter. Criteria: ACMG Guidelines, 2015. Collection method: clinical testing. Allele origin: germline.

Laboratory of Genetics, Children's Clinical University Hospital Latvia
Classification: Likely benign. Last evaluated: 2025-02-16. Review status: criteria provided, single submitter. Criteria: ACMG Guidelines, 2015. Collection method: clinical testing. Allele origin: germline. Affected: yes.

PreventionGenetics, part of Exact Sciences
Classification: Likely benign for STK11-related condition. Last evaluated: 2024-12-26. Review status: criteria provided, single submitter. Criteria: ACMG Guidelines, 2015. Collection method: clinical testing. Allele origin: germline.
Comment: This variant is classified as likely benign based on ACMG/AMP sequence variant interpretation guidelines (Richards et al. 2015 PMID: 25741868, with internal and published modifications).

Blueprint Genetics
Classification: Likely benign. Last evaluated: 2024-08-05. Review status: criteria provided, single submitter. Criteria: ACMG Guidelines, 2015. Collection method: clinical testing. Allele origin: germline.

Institute for Biomarker Research, Medical Diagnostic Laboratories, L.L.C.
Classification: Likely benign for Hereditary cancer-predisposing syndrome. Last evaluated: 2024-03-22. Review status: criteria provided, single submitter. Criteria: ACMG Guidelines, 2015. Collection method: clinical testing. Allele origin: germline.

Myriad Genetics, Inc.
Classification: Benign for Peutz-Jeghers syndrome. Last evaluated: 2023-04-14. Review status: criteria provided, single submitter. Criteria: Myriad Autosomal Dominant, Autosomal Recessive and X-Linked Classification Criteria (2023). Collection method: clinical testing. Allele origin: unknown.
Comment: This variant is considered benign. This variant is intronic and is not expected to impact mRNA splicing. Homozygosity has been confirmed in one or more individuals. As homozygosity for pathogenic variants in this gene is generally assumed to result in embryonic lethality, this variant is unlikely to be pathogenic.

CHEO Genetics Diagnostic Laboratory, Children's Hospital of Eastern Ontario
Classification: Uncertain significance for Breast and/or ovarian cancer. Last evaluated: 2023-01-17. Review status: criteria provided, single submitter. Criteria: ACMG Guidelines, 2015. Collection method: clinical testing. Allele origin: germline.

Genome-Nilou Lab
Classification: Likely benign for Peutz-Jeghers syndrome. Last evaluated: 2021-07-15. Review status: criteria provided, single submitter. Criteria: ACMG Guidelines, 2015. Collection method: clinical testing. Allele origin: germline. Affected: no.

Sema4
Classification: Likely benign for Hereditary cancer-predisposing syndrome. Last evaluated: 2021-04-12. Review status: criteria provided, single submitter. Criteria: Sema4 Curation Guidelines. Collection method: curation. Allele origin: germline.

GeneDx
Classification: Likely benign. Last evaluated: 2021-03-22. Review status: criteria provided, single submitter. Criteria: GeneDx Variant Classification Process June 2021. Collection method: clinical testing. Allele origin: germline. Affected: yes.
Comment: This variant is associated with the following publications: (PMID: 16287113, 28873162)

Mendelics
Classification: Benign for Peutz-Jeghers syndrome. Last evaluated: 2019-05-28. Review status: criteria provided, single submitter. Criteria: Mendelics Assertion Criteria 2017. Collection method: clinical testing. Allele origin: unknown.

Ambry Genetics
Classification: Likely benign for Hereditary cancer-predisposing syndrome. Last evaluated: 2019-04-16. Review status: criteria provided, single submitter. Criteria: Ambry Variant Classification Scheme 2023. Collection method: clinical testing. Allele origin: germline.

Institute of Human Genetics, University of Leipzig Medical Center
Classification: Uncertain significance for Breast carcinoma. Last evaluated: 2019-01-01. Review status: criteria provided, single submitter. Criteria: ACMG Guidelines, 2015. Collection method: clinical testing. Allele origin: unknown. Affected: yes.

Laboratory for Molecular Medicine, Mass General Brigham Personalized Medicine
Classification: Likely benign. Last evaluated: 2016-12-15. Review status: criteria provided, single submitter. Criteria: LMM Criteria. Collection method: clinical testing. Allele origin: germline.
Comment: Variant identified in a genome or exome case(s) and assessed due to predicted null impact of the variant or pathogenic assertions in the literature or databases. Disclaimer: This variant has not undergone full assessment. The following are preliminary notes: This is a splice variant in intron 3 of STK11 (10 total exons). The variant has been reported in one individual with Peutz Jeghers (Aretz 2005). This variant is has a Max MAF of 0.07% in ExAC (7 South Asian alleles) and 0.04% in gnomAD (12 South Asian alleles). Classified as Likely benign by 3 submitters (GeneDx, Ambry, Invitae) and VUS by Pathway Genomics.

Color Diagnostics, LLC DBA Color Health
Classification: Likely benign for Hereditary cancer-predisposing syndrome. Last evaluated: 2015-04-22. Review status: criteria provided, single submitter. Criteria: ACMG Guidelines, 2015. Collection method: clinical testing. Allele origin: germline.

Counsyl
Classification: Uncertain significance for Peutz-Jeghers syndrome. Last evaluated: 2018-01-26. Review status: no assertion criteria provided. Collection method: clinical testing. Allele origin: unknown. Not counted in ClinVar's aggregate classification.

Pathway Genomics
Classification: Uncertain significance for Peutz-Jeghers syndrome. Last evaluated: 2014-07-24. Review status: no assertion criteria provided. Collection method: clinical testing. Allele origin: germline. Not counted in ClinVar's aggregate classification.

Department of Pathology and Laboratory Medicine, Sinai Health System
Classification: Likely benign for Malignant tumor of breast. Review status: no assertion criteria provided. Collection method: clinical testing. Allele origin: unknown. Affected: yes. Observed: 1 variant allele. Study: The Canadian Open Genetics Repository (COGR). Not counted in ClinVar's aggregate classification.
Comment: The STK11 c.465-4G>A variant was identified in 1 of 142 proband chromosomes (frequency: 0.007) from individuals or families with Peutz-Jeghers syndrome (Aretz 2005). The variant was also identified in the following databases: dbSNP (ID: rs587780009) as "With other allele", ClinVar (2x uncertain significance, 3x likely benign), Clinvitae, and the Zhejiang Colon Cancer Database (1x). The variant was not identified in Cosmic, MutDB, LOVD 3.0, or the Insight Hereditary Tumors Database. The variant was identified in control databases in 19 of 220968 chromosomes at a frequency of 0.00009 (Genome Aggregation Database Feb 27, 2017). Breakdown of the observations by population include other in 1 of 5028 chromosomes (freq: 0.0002), Latino in 4 of 31136 chromosomes (freq: 0.0001), European in 2 of 99398 chromosomes (freq: 0.00002), Ashkenazi Jewish in 1 of 9228 chromosomes (freq: 0.0001), and South Asian in 11 of 27928 chromosomes (freq: 0.0004). The variant was not observed in the African, East Asian, or Finnish populations. The c.465-4G>A variant is located in the 3' splice region but does not affect the invariant -1 and -2 positions nor at positions -3 and -5 to -12 which are part of the splicing consensus sequence and variants involving these positions sometimes affect splicing. In addition, in silico or computational prediction software programs (SpliceSiteFinder, MaxEntScan, NNSPLICE, GeneSplicer, HumanSpliceFinder) do not predict a difference in splicing. In summary, based on the above information the clinical significance of this variant cannot be determined with certainty at this time although we would lean towards a more benign role for this variant. This variant is classified as likely benign.

Literature cited by the submitters: PubMed 16287113 (cited by 5 submitters); PubMed 30426508 (cited by Women's Health and Genetics/Laboratory Corporation of America, LabCorp); PubMed 28873162 (cited by Counsyl).